The following is an entry in ClinVar:

NM_000312.4(PROC):c.607G>A (p.Asp203Asn)

Gene: PROC (protein C, inactivator of coagulation factors Va and VIIIa; plus strand). Cytogenetic location: 2q14.3.
Variant type: single nucleotide variant.
Coding change: c.607G>A on transcript NM_000312.4 (MANE Select); coding-DNA position 607, G replaced by A.
Protein change: p.Asp203Asn; replaces aspartic acid 203 with asparagine.
Molecular consequence: missense variant.
Genome position (GRCh38, 1-based): chr2:127,426,156, G>A. VCF-style: chr2-127426156-G-A. GRCh37 (hg19) VCF-style: chr2-128183732-G-A.
Other names: c.790G>A, p.Asp264Asn (NM_001375602.1); c.772G>A, p.Asp258Asn (NM_001375603.1); c.670G>A, p.Asp224Asn (NM_001375604.1); c.709G>A, p.Asp237Asn (NM_001375605.1); c.775G>A, p.Asp259Asn (NM_001375606.1); c.793G>A, p.Asp265Asn (NM_001375607.1); c.550G>A, p.Asp184Asn (NM_001375608.1); c.583G>A, p.Asp195Asn (NM_001375609.1); and 2 more; short protein forms D201N, D264N, D184N, D203N, D259N, D224N, D237N, D265N.
Identifiers: ClinVar variation 4768104 (VCV004768104.1).

ClinVar aggregate classification (germline): Uncertain significance (1 of 4 stars; one submission).

Conditions:
Thrombophilia due to protein C deficiency, autosomal dominant. Also called: PROC DEFICIENCY, AUTOSOMAL DOMINANT; PROTEIN C DEFICIENCY, AUTOSOMAL DOMINANT. Identifiers: Orphanet 745, MedGen C2674321, MONDO:0008316, OMIM 176860. Disease mechanism: loss of function.

gnomAD v4.1: 13 of 1,614,128 alleles (0.00081%); highest among the groups gnomAD compares: South Asian, 0.0077%; no homozygotes.

Submission:

Labcorp Genetics (formerly Invitae), Labcorp
Classification: Uncertain significance for Thrombophilia due to protein C deficiency, autosomal dominant. Last evaluated: 2025-07-22. Review status: criteria provided, single submitter. Criteria: Invitae Variant Classification Sherloc (09022015). Collection method: clinical testing. Allele origin: germline.
Comment: This sequence change replaces aspartic acid, which is acidic and polar, with asparagine, which is neutral and polar, at codon 203 of the PROC protein (p.Asp203Asn). This variant is present in population databases (rs567588026, gnomAD 0.02%). This variant has not been reported in the literature in individuals affected with PROC-related conditions. Invitae Evidence Modeling of protein sequence and biophysical properties (such as structural, functional, and spatial information, amino acid conservation, physicochemical variation, residue mobility, and thermodynamic stability) indicates that this missense variant is not expected to disrupt PROC protein function with a negative predictive value of 80%. In summary, the available evidence is currently insufficient to determine the role of this variant in disease. Therefore, it has been classified as a Variant of Uncertain Significance.